The following is an entry in ClinVar:

ClinVar aggregate classification (germline): Uncertain significance (1 of 4 stars; one submission).

Submission:

GeneDx
Classification: Uncertain significance. Last evaluated: 2024-08-29. Review status: criteria provided, single submitter. Criteria: GeneDx Variant Classification Process June 2021. Collection method: clinical testing. Allele origin: germline. Affected: yes.
Comment: Not observed at significant frequency in large population cohorts (gnomAD); In silico analysis supports that this missense variant has a deleterious effect on protein structure/function; Has not been previously published as pathogenic or benign to our knowledge

NM_003470.3(USP7):c.1208A>C (p.His403Pro)

Gene: USP7 (ubiquitin specific peptidase 7; minus strand). Cytogenetic location: 16p13.2.
Variant type: single nucleotide variant.
Coding change: c.1208A>C on transcript NM_003470.3 (MANE Select); coding-DNA position 1208, A replaced by C.
Protein change: p.His403Pro; replaces histidine 403 with proline.
Molecular consequence: missense variant. On other transcripts: non-coding transcript variant (1).
Genome position (GRCh38, 1-based): chr16:8,908,404, T>G on the plus strand (A>C on the coding strand, the complement: USP7 is on the minus strand). VCF-style: chr16-8908404-T-G. GRCh37 (hg19) VCF-style: chr16-9002261-T-G.
Other names: c.1160A>C, p.His387Pro (NM_001286457.2); c.911A>C, p.His304Pro (NM_001286458.2); c.1034A>C, p.His345Pro (NM_001321858.2); short protein forms H304P, H345P, H387P, H403P.
Identifiers: ClinVar variation 3765924 (VCV003765924.1).